The following is an entry in ClinVar:

ClinVar aggregate classification (germline): Uncertain significance (1 of 4 stars; one submission).

Conditions:
Bloom syndrome (BLM). Also called: Bloom-Torre-Machacek syndrome. Identifiers: Orphanet 125, MedGen C0005859, MONDO:0008876, OMIM 210900.

Submission:

Labcorp Genetics (formerly Invitae), Labcorp
Classification: Uncertain significance for Bloom syndrome. Last evaluated: 2023-02-25. Review status: criteria provided, single submitter. Criteria: Invitae Variant Classification Sherloc (09022015). Collection method: clinical testing. Allele origin: germline.
Comment: In summary, the available evidence is currently insufficient to determine the role of this variant in disease. Therefore, it has been classified as a Variant of Uncertain Significance. An algorithm developed to predict the effect of missense changes on protein structure and function (PolyPhen-2) suggests that this variant is likely to be tolerated. This variant has not been reported in the literature in individuals affected with BLM-related conditions. This variant is not present in population databases (gnomAD no frequency). This sequence change replaces serine, which is neutral and polar, with isoleucine, which is neutral and non-polar, at codon 1375 of the BLM protein (p.Ser1375Ile).

NM_000057.4(BLM):c.4124G>T (p.Ser1375Ile)

Gene: BLM (BLM RecQ like helicase; plus strand). Cytogenetic location: 15q26.1.
Variant type: single nucleotide variant.
Coding change: c.4124G>T on transcript NM_000057.4 (MANE Select); coding-DNA position 4124, G replaced by T.
Protein change: p.Ser1375Ile; replaces serine 1375 with isoleucine.
Molecular consequence: missense variant.
Genome position (GRCh38, 1-based): chr15:90,815,149, G>T. VCF-style: chr15-90815149-G-T. GRCh37 (hg19) VCF-style: chr15-91358379-G-T.
Other names: c.4124G>T, p.Ser1375Ile (NM_001287246.2); c.3731G>T, p.Ser1244Ile (NM_001287247.2); c.2999G>T, p.Ser1000Ile (NM_001287248.2); short protein forms S1000I, S1244I, S1375I.
Identifiers: ClinVar variation 2840773 (VCV002840773.3), dbSNP rs139115275, ClinGen allele CA393852213.